The following is an entry in ClinVar:

ClinVar aggregate classification (germline): Pathogenic/Likely pathogenic. Review status: criteria provided, multiple submitters, no conflicts (2 of 4 stars). 3 submissions from 3 submitters: Pathogenic (1); Likely pathogenic (1). 1 of the submissions does not count toward it. Last evaluated 2024-03-06.

Conditions:
Methylmalonic aciduria, cblA type (MACA). Also called: Methylmalonic aciduria, vitamin B12-responsive; Vitamin B12-responsive methylmalonic acidemia type cblA; Methylmalonic aciduria, vitamin b12-responsive, due to defect in synthesis of adenosylcobalamin, cbla complementation type; MMA cbl A type; Methylmalonic acidemia cblA type. Identifiers: Orphanet 28, Orphanet 79310, MedGen C1855109, MONDO:0009613, OMIM 251100.

Allele frequency attached by ClinVar (database versions not stated): gnomAD exomes below 0.00001; ExAC 0.00001.

Submissions (3):

Fulgent Genetics
Classification: Likely pathogenic for Methylmalonic aciduria, cblA type. Last evaluated: 2024-03-06. Review status: criteria provided, single submitter. Criteria: ACMG Guidelines, 2015. Collection method: clinical testing. Allele origin: germline.

Labcorp Genetics (formerly Invitae), Labcorp
Classification: Pathogenic for Methylmalonic aciduria, cblA type. Last evaluated: 2022-10-28. Review status: criteria provided, single submitter. Criteria: Invitae Variant Classification Sherloc (09022015). Collection method: clinical testing. Allele origin: germline.
Comment: This sequence change creates a premature translational stop signal (p.Gln372Argfs*5) in the MMAA gene. While this is not anticipated to result in nonsense mediated decay, it is expected to disrupt the last 47 amino acid(s) of the MMAA protein. For these reasons, this variant has been classified as Pathogenic. This variant disrupts a region of the MMAA protein in which other variant(s) (p.Gln372*) have been determined to be pathogenic (PMID: 32034731; Invitae). This suggests that this is a clinically significant region of the protein, and that variants that disrupt it are likely to be disease-causing. ClinVar contains an entry for this variant (Variation ID: 554165). This variant has not been reported in the literature in individuals affected with MMAA-related conditions. This variant is present in population databases (rs765726949, gnomAD 0.006%).

Counsyl
Classification: Uncertain significance for Methylmalonic aciduria, cblA type. Last evaluated: 2017-09-27. Review status: no assertion criteria provided. Collection method: clinical testing. Allele origin: unknown. Not counted in ClinVar's aggregate classification.

Literature cited by the submitters: PubMed 32034731 (cited by Labcorp Genetics (formerly Invitae), Labcorp).

NM_172250.3(MMAA):c.1114del (p.Gln372fs)

Gene: MMAA (metabolism of cobalamin associated A; plus strand). Cytogenetic location: 4q31.21.
Variant type: Deletion.
Coding change: c.1114del on transcript NM_172250.3 (MANE Select); coding-DNA position 1114, one base deleted (C; older notation c.1114delC).
Protein change: p.Gln372fs; shifts the reading frame from glutamine 372.
Molecular consequence: frameshift variant.
Genome position (GRCh38, 1-based): chr4:145,655,291, C deleted. VCF-style (leftmost placement, unchanged base first): chr4-145655290-TC-T. GRCh37 (hg19) VCF-style: chr4-146576442-TC-T.
Other names: short protein forms Q372fs.
Identifiers: ClinVar variation 554165 (VCV000554165.9), dbSNP rs765726949, ClinGen allele CA3095360.